The following is an entry in ClinVar:

ClinVar aggregate classification (germline): Likely pathogenic (1 of 4 stars; one submission).

Conditions:
Hyper-IgE recurrent infection syndrome 1, autosomal dominant. Also called: Job's Syndrome; Hyper-IgE recurrent infection syndrome 1; HYPER-IgE SYNDROME 1, AUTOSOMAL DOMINANT, WITH RECURRENT INFECTIONS; JOB SYNDROME; STAT3 Hyper IgE Syndrome. Identifiers: Orphanet 2314, MedGen C2936739, MONDO:0007818, OMIM 147060.
STAT3 gain of function. Identifiers: MedGen C4288261.

Allele frequency attached by ClinVar (database versions not stated): gnomAD 0.00001; TOPMed 0.00001; gnomAD exomes below 0.00001.
gnomAD v4.1: 2 of 1,607,924 alleles (0.00012%); highest among the groups gnomAD compares: Non-Finnish European, 0.00017%; no homozygotes.

Submission:

Labcorp Genetics (formerly Invitae), Labcorp
Classification: Likely pathogenic for STAT3 gain of function; Hyper-IgE recurrent infection syndrome 1, autosomal dominant. Last evaluated: 2026-01-15. Review status: criteria provided, single submitter. Criteria: Invitae Variant Classification Sherloc (09022015). Collection method: clinical testing. Allele origin: germline.
Comment: This sequence change replaces arginine, which is basic and polar, with tryptophan, which is neutral and slightly polar, at codon 103 of the STAT3 protein (p.Arg103Trp). This variant is not present in population databases (gnomAD no frequency). This missense change has been observed in individuals with clinical features of STAT3-related immunodeficiency (PMID: 27379089, 35753512, 36228738; internal data). ClinVar contains an entry for this variant (Variation ID: 566510). Invitae Evidence Modeling of protein sequence and biophysical properties (such as structural, functional, and spatial information, amino acid conservation, physicochemical variation, residue mobility, and thermodynamic stability) has been performed for this missense variant. However, the output from this modeling did not meet the statistical confidence thresholds required to predict the impact of this variant on STAT3 protein function. In summary, the currently available evidence indicates that the variant is pathogenic, but additional data are needed to prove that conclusively. Therefore, this variant has been classified as Likely Pathogenic.

Literature cited by the submitters: PubMed 27379089; PubMed 35753512; PubMed 36228738.

NM_139276.3(STAT3):c.307C>T (p.Arg103Trp)

Gene: STAT3 (signal transducer and activator of transcription 3; minus strand). Cytogenetic location: 17q21.2.
Variant type: single nucleotide variant.
Coding change: c.307C>T on transcript NM_139276.3 (MANE Select); coding-DNA position 307, C replaced by T.
Protein change: p.Arg103Trp; replaces arginine 103 with tryptophan.
Molecular consequence: missense variant. On other transcripts: intron variant (1).
Genome position (GRCh38, 1-based): chr17:42,345,624, G>A on the plus strand (C>T on the coding strand, the complement: STAT3 is on the minus strand). VCF-style: chr17-42345624-G-A. GRCh37 (hg19) VCF-style: chr17-40497642-G-A.
Other names: c.307C>T, p.Arg103Trp (NM_001369519.1, NM_001369520.1, NM_001384984.1 and 16 more transcripts); c.274-45C>T (NM_001384985.1); short protein forms R103W.
Identifiers: ClinVar variation 566510 (VCV000566510.10), dbSNP rs1408283351, ClinGen allele CA399596589.